The following is an entry in ClinVar:

ClinVar aggregate classification (germline): Uncertain significance (1 of 4 stars; one submission).

Allele frequency attached by ClinVar (database versions not stated): gnomAD 0.00001.
gnomAD v4.1: 2 of 1,614,084 alleles (0.00012%); highest among the groups gnomAD compares: African/African-American, 0.0013%; no homozygotes.

Submission:

Labcorp Genetics (formerly Invitae), Labcorp
Classification: Uncertain significance. Last evaluated: 2023-11-15. Review status: criteria provided, single submitter. Criteria: Invitae Variant Classification Sherloc (09022015). Collection method: clinical testing. Allele origin: germline.
Comment: This sequence change replaces phenylalanine, which is neutral and non-polar, with serine, which is neutral and polar, at codon 53 of the TUBA8 protein (p.Phe53Ser). This variant is present in population databases (no rsID available, gnomAD 0.01%). This variant has not been reported in the literature in individuals affected with TUBA8-related conditions. Advanced modeling of protein sequence and biophysical properties (such as structural, functional, and spatial information, amino acid conservation, physicochemical variation, residue mobility, and thermodynamic stability) performed at Invitae indicates that this missense variant is expected to disrupt TUBA8 protein function with a positive predictive value of 80%. In summary, the available evidence is currently insufficient to determine the role of this variant in disease. Therefore, it has been classified as a Variant of Uncertain Significance.

NM_018943.3(TUBA8):c.158T>C (p.Phe53Ser)

Gene: TUBA8 (tubulin alpha 8; plus strand). Cytogenetic location: 22q11.21.
Variant type: single nucleotide variant.
Coding change: c.158T>C on transcript NM_018943.3 (MANE Select); coding-DNA position 158, T replaced by C.
Protein change: p.Phe53Ser; replaces phenylalanine 53 with serine.
Molecular consequence: missense variant. On other transcripts: 5 prime UTR variant (1).
Genome position (GRCh38, 1-based): chr22:18,121,633, T>C. VCF-style: chr22-18121633-T-C. GRCh37 (hg19) VCF-style: chr22-18604400-T-C.
Other names: c.-41T>C (NM_001193414.2); short protein forms F53S.
Identifiers: ClinVar variation 2809639 (VCV002809639.3), dbSNP rs1293812304, ClinGen allele CA410261759.